The following is an entry in ClinVar:

ClinVar aggregate classification (germline): Likely benign. Review status: criteria provided, multiple submitters, no conflicts (2 of 4 stars). 2 submissions from 2 submitters: Likely benign (2). Last evaluated 2025-10-27.

Conditions:
Hereditary diffuse gastric adenocarcinoma (HDGC). Also called: DIFFUSE GASTRIC AND LOBULAR BREAST CANCER SYNDROME. Identifiers: Orphanet 26106, MedGen C1708349, MONDO:0007648, OMIM 137215.

gnomAD v4.1: 3 of 1,613,530 alleles (0.00019%); highest among the groups gnomAD compares: Non-Finnish European, 0.00017%; no homozygotes.

Submissions (2):

Labcorp Genetics (formerly Invitae), Labcorp
Classification: Likely benign for Hereditary diffuse gastric adenocarcinoma. Last evaluated: 2025-10-27. Review status: criteria provided, single submitter. Criteria: Invitae Variant Classification Sherloc (09022015). Collection method: clinical testing. Allele origin: germline.

Myriad Genetics, Inc.
Classification: Likely benign for Hereditary diffuse gastric adenocarcinoma. Last evaluated: 2024-09-18. Review status: criteria provided, single submitter. Criteria: Myriad Autosomal Dominant, Autosomal Recessive and X-Linked Classification Criteria (2023). Collection method: clinical testing. Allele origin: unknown.
Comment: This variant is considered likely benign. This variant is intronic and is not expected to impact mRNA splicing.

NM_004360.5(CDH1):c.1138-19A>G

Gene: CDH1 (cadherin 1; plus strand). Cytogenetic location: 16q22.1.
Variant type: single nucleotide variant.
Coding change: c.1138-19A>G on transcript NM_004360.5 (MANE Select); 19 bases into the intron before coding-DNA position 1138, A replaced by G.
Molecular consequence: intron variant.
Genome position (GRCh38, 1-based): chr16:68,813,294, A>G. VCF-style: chr16-68813294-A-G. GRCh37 (hg19) VCF-style: chr16-68847197-A-G.
Other names: c.-478-19A>G (NM_001317185.2); c.-682-19A>G (NM_001317186.2); c.1137+1031A>G (NM_001317184.2).
Identifiers: ClinVar variation 3009011 (VCV003009011.4), dbSNP rs754767606, ClinGen allele CA2633929435.
Genomic context (GRCh38, chr16:68,813,294, plus strand): 5'-GGAATCCTTTAGCCCCCTGAGACTCAGCTCTGCTAGCAGTCTTGGTACTTTGTAAATGAC[A>G]CATCTCTTTGCTCTGCAGTACAAGGGTCAGGTGCCTGAGAACGAGGCTAACGTCGTAATC-3'